The following is an entry in ClinVar:

ClinVar aggregate classification (germline): Uncertain significance (1 of 4 stars; one submission).

Conditions:
COG5-congenital disorder of glycosylation. Also called: COG5-CDG; CDG IIi; CONGENITAL DISORDER OF GLYCOSYLATION, TYPE IIi. Identifiers: Orphanet 263487, MedGen C3150876, MONDO:0013325, OMIM 613612.

Submission:

Labcorp Genetics (formerly Invitae), Labcorp
Classification: Uncertain significance for COG5-congenital disorder of glycosylation. Last evaluated: 2022-05-25. Review status: criteria provided, single submitter. Criteria: Invitae Variant Classification Sherloc (09022015). Collection method: clinical testing. Allele origin: germline.
Comment: In summary, the available evidence is currently insufficient to determine the role of this variant in disease. Therefore, it has been classified as a Variant of Uncertain Significance. Algorithms developed to predict the effect of missense changes on protein structure and function are either unavailable or do not agree on the potential impact of this missense change (SIFT: "Deleterious"; PolyPhen-2: "Probably Damaging"; Align-GVGD: "Class C0"). This variant has not been reported in the literature in individuals affected with COG5-related conditions. This variant is not present in population databases (gnomAD no frequency). This sequence change replaces glutamic acid, which is acidic and polar, with aspartic acid, which is acidic and polar, at codon 815 of the COG5 protein (p.Glu815Asp).

NM_006348.5(COG5):c.2352A>T (p.Glu784Asp)

Gene: COG5 (component of oligomeric golgi complex 5; minus strand). Cytogenetic location: 7q22.3.
Variant type: single nucleotide variant.
Coding change: c.2352A>T on transcript NM_006348.5 (MANE Select); coding-DNA position 2352, A replaced by T.
Protein change: p.Glu784Asp; replaces glutamic acid 784 with aspartic acid.
Molecular consequence: missense variant. On other transcripts: intron variant (1).
Genome position (GRCh38, 1-based): chr7:107,210,549, T>A on the plus strand (A>T on the coding strand, the complement: COG5 is on the minus strand). VCF-style: chr7-107210549-T-A. GRCh37 (hg19) VCF-style: chr7-106850994-T-A.
Other names: c.2352A>T, p.Glu784Asp (NM_001161520.2); c.2190A>T, p.Glu730Asp (NM_001379511.1); c.2178A>T, p.Glu726Asp (NM_001379512.1); c.2037A>T, p.Glu679Asp (NM_001379514.1); c.1782A>T, p.Glu594Asp (NM_001379515.1); c.1638A>T, p.Glu546Asp (NM_001379516.1); c.2289A>T, p.Glu763Asp (NM_181733.4); c.2169-6919A>T (NM_001379513.1); short protein forms E594D, E730D, E546D, E679D, E763D, E726D, E784D.
Identifiers: ClinVar variation 1412092 (VCV001412092.8), dbSNP rs2116193691, ClinGen allele CA368839406.
Genomic context (GRCh38, chr7:107,210,549, plus strand): 5'-CAGACCAGATGGGTGCCCCCAGAGCACCTGGCTTTACCTGATGAGGAGGAGCCTGTCCTT[T>A]TCAGATGGATGGTCATCCAGCCACTGAGAGAAGCGTGTGTGGGACCACTCTGCCCTCTGC-3'
Protein context (NP_006339.4, residues 774-794): FSQWLDDHPS[Glu784Asp]KDRLLLIRGA